The following is an entry in ClinVar:

NM_002111.8(HTT):c.52CAG[27_35] (p.Gln18_Gln38delinsGlnGlnGlnGlnGlnGlnGlnGlnGlnGlnGlnGlnGlnGlnGlnGlnGlnGlnGlnGlnGlnGlnGlnGlnGlnGlnGln)

Genes: HTT (huntingtin; plus strand), LOC109461479 (huntingtin repeat instability region; plus strand), LOC129929027 (ATAC-STARR-seq lymphoblastoid silent region 15199; plus strand). Cytogenetic location: 4p16.3.
Variant type: Microsatellite.
Coding change: c.52CAG[27_35] on transcript NM_002111.8.
Protein change: p.Gln18_Gln38delinsGlnGlnGlnGlnGlnGlnGlnGlnGlnGlnGlnGlnGlnGlnGlnGlnGlnGlnGlnGlnGlnGlnGlnGlnGlnGlnGln.
Other names: c.52CAG[(27_35)] (NM_002111.8); c.52_54CAG(27_35) (NM_002111.6).
Identifiers: ClinVar variation 31915 (VCV000031915.4).

ClinVar aggregate classification (germline): not provided (0 of 4 stars; one submission).

Conditions:
Huntington disease (HD). Also called: HUNTINGTON CHOREA; Huntington's chorea; Huntington's disease. Identifiers: Orphanet 248111, Orphanet 399, MedGen C0020179, MONDO:0007739, OMIM 143100.

Submission:

GeneReviews
No classification provided. Condition: Huntington disease. Review status: no classification provided. Collection method: literature only. Allele origin: germline.
Comment: Repeat Range: Intermediate